The following is an entry in ClinVar:

NM_000093.5(COL5A1):c.2331G>C (p.Gln777His)

Gene: COL5A1 (collagen type V alpha 1 chain; plus strand). Cytogenetic location: 9q34.3.
Variant type: single nucleotide variant.
Coding change: c.2331G>C on transcript NM_000093.5 (MANE Select); coding-DNA position 2331, G replaced by C.
Protein change: p.Gln777His; replaces glutamine 777 with histidine.
Molecular consequence: missense variant.
Genome position (GRCh38, 1-based): chr9:134,772,834, G>C. VCF-style: chr9-134772834-G-C. GRCh37 (hg19) VCF-style: chr9-137664680-G-C.
Other names: c.2331G>C, p.Gln777His (NM_001278074.1); short protein forms Q777H.
Identifiers: ClinVar variation 3361354 (VCV003361354.1).

ClinVar aggregate classification (germline): Uncertain significance (1 of 4 stars; one submission).

Submission:

GeneDx
Classification: Uncertain significance. Last evaluated: 2023-07-19. Review status: criteria provided, single submitter. Criteria: GeneDx Variant Classification Process June 2021. Collection method: clinical testing. Allele origin: germline. Affected: yes.
Comment: Not observed at significant frequency in large population cohorts (gnomAD); Damages or destroys the splice donor site in intron 26 and is expected to cause abnormal gene splicing; if the splice outcome is exon skip, the loss of the encoded residues in the triple helical region is expected to disrupt normal protein folding and function (Symoens et al., 2012; HGMD); Has not been previously published as pathogenic or benign to our knowledge; Occurs in the triple helical domain at the Y position in the canonical Gly-X-Y repeat; although this variant may have an effect on normal protein folding and function, missense substitution at the Y position is not a common mechanism of disease (Symoens et al., 2012; HGMD); This variant is associated with the following publications: (PMID: 22696272)